The following is an entry in ClinVar:

NM_001177316.2(SLC34A3):c.328A>G (p.Lys110Glu)

Gene: SLC34A3 (solute carrier family 34 member 3; plus strand). Cytogenetic location: 9q34.3.
Variant type: single nucleotide variant.
Coding change: c.328A>G on transcript NM_001177316.2 (MANE Select); coding-DNA position 328, A replaced by G.
Protein change: p.Lys110Glu; replaces lysine 110 with glutamic acid.
Molecular consequence: missense variant.
Genome position (GRCh38, 1-based): chr9:137,232,807, A>G. VCF-style: chr9-137232807-A-G. GRCh37 (hg19) VCF-style: chr9-140127259-A-G.
Other names: c.328A>G, p.Lys110Glu (NM_001177317.2, NM_080877.3); short protein forms K110E.
Identifiers: ClinVar variation 953675 (VCV000953675.8), dbSNP rs570711066, ClinGen allele CA5364345.

ClinVar aggregate classification (germline): Uncertain significance. Review status: criteria provided, multiple submitters, no conflicts (2 of 4 stars). 4 submissions from 4 submitters: Uncertain significance (4). Last evaluated 2025-10-03.

Conditions:
Inborn genetic diseases. Identifiers: MedGen C0950123, MeSH D030342.
Autosomal recessive hypophosphatemic bone disease (HHRH). Also called: HYPERCALCIURIC RICKETS; Hypophosphatemic rickets with hypercalciuria. Identifiers: Orphanet 157215, MedGen C1853271, MONDO:0009431, OMIM 241530.

Allele frequency attached by ClinVar (database versions not stated): gnomAD exomes 0.00001 and 0.00003; TOPMed 0.00003; gnomAD 0.00004 and 0.00005; ExAC 0.00006; 1000 Genomes Project 30x 0.00016; 1000 Genomes Project 0.00020.
gnomAD v4.1: 20 of 1,613,160 alleles (0.0012%); highest among the groups gnomAD compares: East Asian, 0.016%; no homozygotes.

Submissions (4):

Rare Kidney Stone Consortium and the Mayo Clinic Hyperoxaluria Center, Mayo Clinic
Classification: Uncertain significance for Autosomal recessive hypophosphatemic bone disease. Last evaluated: 2025-10-03. Review status: criteria provided, single submitter. Criteria: ACMG Guidelines, 2015. Collection method: research. Allele origin: germline. Observed: 1 variant allele.
Comment: ACMG:PM1, PM2

Ambry Genetics
Classification: Uncertain significance for Inborn genetic diseases. Last evaluated: 2024-05-30. Review status: criteria provided, single submitter. Criteria: Ambry Variant Classification Scheme 2023. Collection method: clinical testing. Allele origin: germline.

Fulgent Genetics
Classification: Uncertain significance for Autosomal recessive hypophosphatemic bone disease. Last evaluated: 2022-01-07. Review status: criteria provided, single submitter. Criteria: ACMG Guidelines, 2015. Collection method: clinical testing. Allele origin: unknown.

Labcorp Genetics (formerly Invitae), Labcorp
Classification: Uncertain significance. Last evaluated: 2021-11-01. Review status: criteria provided, single submitter. Criteria: Invitae Variant Classification Sherloc (09022015). Collection method: clinical testing. Allele origin: germline.
Comment: This sequence change replaces lysine, which is basic and polar, with glutamic acid, which is acidic and polar, at codon 110 of the SLC34A3 protein (p.Lys110Glu). This variant is present in population databases (rs570711066, gnomAD 0.03%). This variant has not been reported in the literature in individuals affected with SLC34A3-related conditions. ClinVar contains an entry for this variant (Variation ID: 953675). Algorithms developed to predict the effect of missense changes on protein structure and function (SIFT, PolyPhen-2, Align-GVGD) all suggest that this variant is likely to be tolerated. In summary, the available evidence is currently insufficient to determine the role of this variant in disease. Therefore, it has been classified as a Variant of Uncertain Significance.

Literature cited by the submitters: PubMed 40794449 (cited by Rare Kidney Stone Consortium and the Mayo Clinic Hyperoxaluria Center, Mayo Clinic).